The following is an entry in ClinVar:

NM_016333.4(SRRM2):c.6319G>A (p.Val2107Ile)

Gene: SRRM2 (serine/arginine repetitive matrix 2; plus strand). Cytogenetic location: 16p13.3.
Variant type: single nucleotide variant.
Coding change: c.6319G>A on transcript NM_016333.4 (MANE Select); coding-DNA position 6319, G replaced by A.
Protein change: p.Val2107Ile; replaces valine 2107 with isoleucine.
Molecular consequence: missense variant.
Genome position (GRCh38, 1-based): chr16:2,766,847, G>A. VCF-style: chr16-2766847-G-A. GRCh37 (hg19) VCF-style: chr16-2816848-G-A.
Other names: short protein forms V2107I.
Identifiers: ClinVar variation 2633719 (VCV002633719.1), dbSNP rs2505613604, ClinGen allele CA394425768.

ClinVar aggregate classification (germline): Uncertain significance (1 of 4 stars; one submission).

Conditions:
SRRM2-related disorder. Also called: SRRM2-related condition.

Submission:

PreventionGenetics, part of Exact Sciences
Classification: Uncertain significance for SRRM2-related condition. Last evaluated: 2023-03-30. Review status: criteria provided, single submitter. Criteria: ACMG Guidelines, 2015. Collection method: clinical testing. Allele origin: germline.
Comment: The SRRM2 c.6319G>A variant is predicted to result in the amino acid substitution p.Val2107Ile. To our knowledge, this variant has not been reported in the literature or in a large population database, indicating this variant is rare. At this time, the clinical significance of this variant is uncertain due to the absence of conclusive functional and genetic evidence.